The following is an entry in ClinVar:

NM_002303.6(LEPR):c.2943A>G (p.Gln981=)

Gene: LEPR (leptin receptor; plus strand). Cytogenetic location: 1p31.3.
Variant type: single nucleotide variant.
Coding change: c.2943A>G on transcript NM_002303.6 (MANE Select); coding-DNA position 2943, A replaced by G.
Protein change: p.Gln981=; no amino-acid change (glutamine 981 retained).
Molecular consequence: synonymous variant.
Genome position (GRCh38, 1-based): chr1:65,636,460, A>G. VCF-style: chr1-65636460-A-G. GRCh37 (hg19) VCF-style: chr1-66102143-A-G.
Identifiers: ClinVar variation 3354084 (VCV003354084.1).
Genomic context (GRCh38, chr1:65,636,460, plus strand): 5'-TGTTAACTTCTCTGAGGCTGAGGGTACTGAGGTAACCTATGAGGACGAAAGCCAGAGACA[A>G]CCCTTTGTTAAATACGCCACGCTGATCAGCAACTCTAAACCAAGTGAAACTGGTGAAGAA-3'
Protein context (NP_002294.2, residues 971-991): EVTYEDESQR[Gln981=]PFVKYATLIS

ClinVar aggregate classification (germline): Likely benign (0 of 4 stars; one submission).

Conditions:
LEPR-related disorder. Also called: LEPR-related condition; LEPR-related disorders.

Submission:

PreventionGenetics, part of Exact Sciences
Classification: Likely benign for LEPR-related condition. Last evaluated: 2022-10-04. Review status: no assertion criteria provided. Collection method: clinical testing. Allele origin: germline.
Comment: This variant is classified as likely benign based on ACMG/AMP sequence variant interpretation guidelines (Richards et al. 2015 PMID: 25741868, with internal and published modifications).